The following is an entry in ClinVar:

NM_002351.5(SH2D1A):c.48C>A (p.Gly16=)

Gene: SH2D1A (SH2 domain containing 1A; plus strand). Cytogenetic location: Xq25.
Variant type: single nucleotide variant.
Coding change: c.48C>A on transcript NM_002351.5 (MANE Select); coding-DNA position 48, C replaced by A.
Protein change: p.Gly16=; no amino-acid change (glycine 16 retained).
Molecular consequence: synonymous variant.
Genome position (GRCh38, 1-based): chrX:124,346,690, C>A. VCF-style: chrX-124346690-C-A. GRCh37 (hg19) VCF-style: chrX-123480540-C-A.
Other names: p.Gly16=; c.48C>A, p.Gly16= (NM_001114937.3).
Identifiers: ClinVar variation 367871 (VCV000367871.24), dbSNP rs72610640, ClinGen allele CA10509244.

ClinVar aggregate classification (germline): Benign/Likely benign. Review status: criteria provided, multiple submitters, no conflicts (2 of 4 stars). 8 submissions from 8 submitters: Benign (2); Likely benign (6). Last evaluated 2025-12-29.

Conditions:
Inborn genetic diseases. Identifiers: MedGen C0950123, MeSH D030342.
X-linked lymphoproliferative disease due to SH2D1A deficiency (XLP1). Also called: PURTILO SYNDROME; SH2D1A-Related Lymphoproliferative Disease, X-Linked; IMMUNODEFICIENCY 5; IMMUNODEFICIENCY, X-LINKED PROGRESSIVE COMBINED VARIABLE; EBV infection severe susceptibility to; Epstein Barr virus infection familial fatal. Identifiers: Orphanet 2442, Orphanet 538931, MedGen C5399825, MONDO:0024551, OMIM 308240.

Allele frequency attached by ClinVar (database versions not stated): TOPMed 0.00063; 1000 Genomes Project 30x 0.00312.
gnomAD v4.1: 333 of 1,210,012 alleles (0.028%); highest among the groups gnomAD compares: East Asian, 0.79%; 7 homozygotes.

Submissions (8):

Labcorp Genetics (formerly Invitae), Labcorp
Classification: Benign for X-linked lymphoproliferative disease due to SH2D1A deficiency. Last evaluated: 2025-12-29. Review status: criteria provided, single submitter. Criteria: Invitae Variant Classification Sherloc (09022015). Collection method: clinical testing. Allele origin: germline.

Women's Health and Genetics/Laboratory Corporation of America, LabCorp
Classification: Likely benign. Last evaluated: 2024-12-06. Review status: criteria provided, single submitter. Criteria: LabCorp Variant Classification Summary - May 2015. Collection method: clinical testing. Allele origin: germline.

Blueprint Genetics
Classification: Likely benign. Last evaluated: 2024-10-23. Review status: criteria provided, single submitter. Criteria: ACMG Guidelines, 2015. Collection method: clinical testing. Allele origin: germline.

Ambry Genetics
Classification: Likely benign for Inborn genetic diseases. Last evaluated: 2024-03-28. Review status: criteria provided, single submitter. Criteria: Ambry Variant Classification Scheme 2023. Collection method: clinical testing. Allele origin: germline.

KCCC/NGS Laboratory, Kuwait Cancer Control Center
Classification: Likely benign for X-linked lymphoproliferative disease due to SH2D1A deficiency. Last evaluated: 2023-07-07. Review status: criteria provided, single submitter. Criteria: ACMG Guidelines, 2015. Collection method: clinical testing. Allele origin: germline. Affected: yes.

Mayo Clinic Laboratories, Mayo Clinic
Classification: Benign. Last evaluated: 2020-01-09. Review status: criteria provided, single submitter. Criteria: ACMG Guidelines, 2015. Collection method: clinical testing. Allele origin: germline. Observed: 4 variant alleles.

Illumina Laboratory Services, Illumina
Classification: Likely benign for X-linked lymphoproliferative disease due to SH2D1A deficiency. Last evaluated: 2017-04-27. Review status: criteria provided, single submitter. Criteria: ICSL Variant Classification Criteria 13 December 2019. Collection method: clinical testing. Allele origin: germline.
Comment: This variant was observed as part of a predisposition screen in an ostensibly healthy population. A literature search was performed for the gene, cDNA change, and amino acid change (where applicable). No publications were found based on this search. Allele frequency data from public databases allowed determination this variant is unlikely to cause disease. Therefore, this variant is classified as likely benign.

Genetic Services Laboratory, University of Chicago
Classification: Likely benign. Last evaluated: 2015-11-12. Review status: criteria provided, single submitter. Criteria: ACMG Guidelines, 2015. Collection method: clinical testing. Allele origin: germline. Affected: no.